The following is an entry in ClinVar:

NM_001466.4(FZD2):c.475G>C (p.Gly159Arg)

Gene: FZD2 (frizzled class receptor 2; plus strand). Cytogenetic location: 17q21.31.
Variant type: single nucleotide variant.
Coding change: c.475G>C on transcript NM_001466.4 (MANE Select); coding-DNA position 475, G replaced by C.
Protein change: p.Gly159Arg; replaces glycine 159 with arginine.
Molecular consequence: missense variant.
Genome position (GRCh38, 1-based): chr17:44,558,163, G>C. VCF-style: chr17-44558163-G-C. GRCh37 (hg19) VCF-style: chr17-42635531-G-C.
Other names: short protein forms G159R.
Identifiers: ClinVar variation 2956590 (VCV002956590.3), dbSNP rs768891016, ClinGen allele CA8604656.

ClinVar aggregate classification (germline): Uncertain significance (1 of 4 stars; one submission).

Allele frequency attached by ClinVar (database versions not stated): ExAC 0.00001; gnomAD 0.00001.

Submission:

Labcorp Genetics (formerly Invitae), Labcorp
Classification: Uncertain significance. Last evaluated: 2023-10-09. Review status: criteria provided, single submitter. Criteria: Invitae Variant Classification Sherloc (09022015). Collection method: clinical testing. Allele origin: germline.
Comment: This sequence change replaces glycine, which is neutral and non-polar, with arginine, which is basic and polar, at codon 159 of the FZD2 protein (p.Gly159Arg). This variant is present in population databases (rs768891016, gnomAD 0.008%). This variant has not been reported in the literature in individuals affected with FZD2-related conditions. Advanced modeling of protein sequence and biophysical properties (such as structural, functional, and spatial information, amino acid conservation, physicochemical variation, residue mobility, and thermodynamic stability) performed at Invitae indicates that this missense variant is not expected to disrupt FZD2 protein function. In summary, the available evidence is currently insufficient to determine the role of this variant in disease. Therefore, it has been classified as a Variant of Uncertain Significance.